The following is an entry in ClinVar:

NM_007180.3(TREH):c.1155C>T (p.Ala385=)

Gene: TREH (trehalase; minus strand). Cytogenetic location: 11q23.3.
Variant type: single nucleotide variant.
Coding change: c.1155C>T on transcript NM_007180.3 (MANE Select); coding-DNA position 1155, C replaced by T.
Protein change: p.Ala385=; no amino-acid change (alanine 385 retained).
Molecular consequence: synonymous variant.
Genome position (GRCh38, 1-based): chr11:118,659,912, G>A on the plus strand (C>T on the coding strand, the complement: TREH is on the minus strand). VCF-style: chr11-118659912-G-A. GRCh37 (hg19) VCF-style: chr11-118530621-G-A.
Other names: c.1062C>T, p.Ala354= (NM_001301065.2).
Identifiers: ClinVar variation 3029699 (VCV003029699.2), dbSNP rs782068563, ClinGen allele CA6307889.

ClinVar aggregate classification (germline): Likely benign (0 of 4 stars; one submission).

Conditions:
TREH-related disorder. Also called: TREH-related condition.

Allele frequency attached by ClinVar (database versions not stated): gnomAD 0.00001; gnomAD exomes 0.00001; TOPMed 0.00002.
gnomAD v4.1: 13 of 1,551,618 alleles (0.00084%); highest among the groups gnomAD compares: Admixed American, 0.0098%; no homozygotes.

Submission:

PreventionGenetics, part of Exact Sciences
Classification: Likely benign for TREH-related condition. Last evaluated: 2021-08-19. Review status: no assertion criteria provided. Collection method: clinical testing. Allele origin: germline.
Comment: This variant is classified as likely benign based on ACMG/AMP sequence variant interpretation guidelines (Richards et al. 2015 PMID: 25741868, with internal and published modifications).